The following is an entry in ClinVar:

NM_004612.4(TGFBR1):c.7G>A (p.Ala3Thr)

Genes: TGFBR1 (transforming growth factor beta receptor 1; plus strand), LOC130002223 (ATAC-STARR-seq lymphoblastoid silent region 20124; plus strand). Cytogenetic location: 9q22.33.
Variant type: single nucleotide variant.
Coding change: c.7G>A on transcript NM_004612.4 (MANE Select); coding-DNA position 7, G replaced by A.
Protein change: p.Ala3Thr; replaces alanine 3 with threonine.
Molecular consequence: missense variant.
Genome position (GRCh38, 1-based): chr9:99,105,212, G>A. VCF-style: chr9-99105212-G-A. GRCh37 (hg19) VCF-style: chr9-101867494-G-A.
Other names: c.7G>A, p.Ala3Thr (NM_001130916.3, NM_001306210.2, NM_001407416.1 and 5 more transcripts); c.-337G>A (NM_001407420.1, NM_001407429.1); c.-306G>A (NM_001407422.1, NM_001407426.1); c.-261G>A (NM_001407428.1); short protein forms A3T.
Identifiers: ClinVar variation 2164234 (VCV002164234.2), dbSNP rs1826369639, ClinGen allele CA374223472.
Genomic context (GRCh38, chr9:99,105,212, plus strand): 5'-TGAGGCAGCGGCGCGGCCGGGCCGGGCCGGGCCACAGGCGGTGGCGGCGGGACCATGGAG[G>A]CGGCGGTCGCTGCTCCGCGTCCCCGGCTGCTCCTCCTCGTGCTGGCGGCGGCGGCGGCGG-3'
Protein context (NP_004603.1, residues 1-13): ME[Ala3Thr]AVAAPRPRLL

ClinVar aggregate classification (germline): Uncertain significance (1 of 4 stars; one submission).

Conditions:
Familial thoracic aortic aneurysm and aortic dissection (TAAD). Also called: Thoracic aortic aneurysms and dissections. Identifiers: Orphanet 91387, MedGen C4707243, MONDO:0019625.

Allele frequency attached by ClinVar (database versions not stated): TOPMed 0.00001.

Submission:

Labcorp Genetics (formerly Invitae), Labcorp
Classification: Uncertain significance for Familial thoracic aortic aneurysm and aortic dissection. Last evaluated: 2025-12-08. Review status: criteria provided, single submitter. Criteria: Invitae Variant Classification Sherloc (09022015). Collection method: clinical testing. Allele origin: germline.
Comment: This sequence change replaces alanine, which is neutral and non-polar, with threonine, which is neutral and polar, at codon 3 of the TGFBR1 protein (p.Ala3Thr). The frequency data for this variant in the population databases is considered unreliable, as metrics indicate insufficient coverage at this position in the gnomAD database. This missense change has been observed in individual(s) with thoracic aortic aneurysm (internal data). ClinVar contains an entry for this variant (Variation ID: 2164234). Invitae Evidence Modeling of protein sequence and biophysical properties (such as structural, functional, and spatial information, amino acid conservation, physicochemical variation, residue mobility, and thermodynamic stability) indicates that this missense variant is not expected to disrupt TGFBR1 protein function with a negative predictive value of 95%. In summary, the available evidence is currently insufficient to determine the role of this variant in disease. Therefore, it has been classified as a Variant of Uncertain Significance.